The following is an entry in ClinVar:

ClinVar aggregate classification (germline): Uncertain significance (1 of 4 stars; one submission).

Submission:

Labcorp Genetics (formerly Invitae), Labcorp
Classification: Uncertain significance. Last evaluated: 2021-11-21. Review status: criteria provided, single submitter. Criteria: Invitae Variant Classification Sherloc (09022015). Collection method: clinical testing. Allele origin: germline.
Comment: This variant is not present in population databases (gnomAD no frequency). In summary, the available evidence is currently insufficient to determine the role of this variant in disease. Therefore, it has been classified as a Variant of Uncertain Significance. Algorithms developed to predict the effect of missense changes on protein structure and function output the following: SIFT: "Tolerated"; PolyPhen-2: "Not Available"; Align-GVGD: "Class C0". The isoleucine amino acid residue is found in multiple mammalian species, which suggests that this missense change does not adversely affect protein function. This variant has not been reported in the literature in individuals affected with DNA2-related conditions. This sequence change replaces leucine, which is neutral and non-polar, with isoleucine, which is neutral and non-polar, at codon 355 of the DNA2 protein (p.Leu355Ile).

NM_001080449.3(DNA2):c.1063T>A (p.Leu355Ile)

Gene: DNA2 (DNA replication helicase/nuclease 2; minus strand). Cytogenetic location: 10q21.3.
Variant type: single nucleotide variant.
Coding change: c.1063T>A on transcript NM_001080449.3 (MANE Select); coding-DNA position 1063, T replaced by A.
Protein change: p.Leu355Ile; replaces leucine 355 with isoleucine.
Molecular consequence: missense variant. On other transcripts: non-coding transcript variant (1).
Genome position (GRCh38, 1-based): chr10:68,445,078, A>T on the plus strand (T>A on the coding strand, the complement: DNA2 is on the minus strand). VCF-style: chr10-68445078-A-T. GRCh37 (hg19) VCF-style: chr10-70204835-A-T.
Other names: short protein forms L355I.
Identifiers: ClinVar variation 1394342 (VCV001394342.6), dbSNP rs2133402726, ClinGen allele CA376862775.